The following is an entry in ClinVar:

NM_152618.3(BBS12):c.1083delinsGGGTG (p.Asp362fs)

Gene: BBS12 (Bardet-Biedl syndrome 12; plus strand). Cytogenetic location: 4q27.
Variant type: Indel.
Coding change: c.1083delinsGGGTG on transcript NM_152618.3 (MANE Select); coding-DNA position 1083, T replaced by GGGTG.
Protein change: p.Asp362fs; shifts the reading frame from aspartic acid 362.
Molecular consequence: frameshift variant.
Genome position (GRCh38, 1-based): chr4:122,742,975, T replaced by GGGTG. VCF-style: chr4-122742975-T-GGGTG. GRCh37 (hg19) VCF-style: chr4-123664130-T-GGGTG.
Other names: c.1083delinsGGGTG, p.Asp362fs (NM_001178007.2); short protein forms D362fs.
Identifiers: ClinVar variation 978517 (VCV000978517.2), dbSNP rs1800908907, ClinGen allele CA1139658636.

ClinVar aggregate classification (germline): Pathogenic/Likely pathogenic. Review status: criteria provided, multiple submitters, no conflicts (2 of 4 stars). 2 submissions from 2 submitters: Pathogenic (1); Likely pathogenic (1). Last evaluated 2023-04-24.

Conditions:
Bardet-Biedl syndrome (BBS). Identifiers: Orphanet 110, MedGen C0752166, MONDO:0015229.
Bardet-Biedl syndrome 12 (BBS12). Identifiers: Orphanet 110, MedGen C1859570, MONDO:0014440, OMIM 615989.

Submissions (2):

Baylor Genetics
Classification: Likely pathogenic for Bardet-Biedl syndrome 12. Last evaluated: 2023-04-24. Review status: criteria provided, single submitter. Criteria: ACMG Guidelines, 2015. Collection method: clinical testing. Allele origin: unknown.

Labcorp Genetics (formerly Invitae), Labcorp
Classification: Pathogenic for Bardet-Biedl syndrome. Last evaluated: 2017-10-04. Review status: criteria provided, single submitter. Criteria: Nykamp K et al. (Genet Med 2017). Collection method: clinical testing. Allele origin: germline.
Comment: This sequence change results in a premature translational stop signal in the BBS12 gene (p.Asp362Glyfs*13). While this is not anticipated to result in nonsense mediated decay, it is expected to disrupt the last 349 amino acids of the BBS12 protein. This variant is not present in population databases (ExAC no frequency). This variant has not been reported in the literature in individuals with BBS12-related disease. A different truncation downstream of this variant (p.Arg675*) has been determined to be pathogenic (PMID: 20827784, 21642631). This suggests that deletion of this region of the BBS12 protein is causative of disease. For these reasons, this variant has been classified as Pathogenic.

Literature cited by the submitters: PubMed 21642631 (cited by Labcorp Genetics (formerly Invitae), Labcorp); PubMed 20827784 (cited by Labcorp Genetics (formerly Invitae), Labcorp).